The following is an entry in ClinVar:

NM_015164.4(PLEKHM2):c.1405G>A (p.Val469Ile)

Gene: PLEKHM2 (pleckstrin homology and RUN domain containing M2; plus strand). Cytogenetic location: 1p36.21.
Variant type: single nucleotide variant.
Coding change: c.1405G>A on transcript NM_015164.4 (MANE Select); coding-DNA position 1405, G replaced by A.
Protein change: p.Val469Ile; replaces valine 469 with isoleucine.
Molecular consequence: missense variant.
Genome position (GRCh38, 1-based): chr1:15,727,477, G>A. VCF-style: chr1-15727477-G-A. GRCh37 (hg19) VCF-style: chr1-16053972-G-A.
Other names: short protein forms V469I.
Identifiers: ClinVar variation 939035 (VCV000939035.9), dbSNP rs748904369, ClinGen allele CA616934.
Genomic context (GRCh38, chr1:15,727,477, plus strand): 5'-CCGCCGCTTTGCGACTTTAGTGAGGGGCTTTCAGCCCCAATGGACTTCTACCGCTTTACC[G>A]TCGAGAGTCCAAGCACTGTTACATCAGGTGGCGGCCACCATGACCCTGCAGGGCTTGGCC-3'
Protein context (NP_055979.2, residues 459-479): SAPMDFYRFT[Val469Ile]ESPSTVTSGG

ClinVar aggregate classification (germline): Uncertain significance (1 of 4 stars; one submission).

Allele frequency attached by ClinVar (database versions not stated): ExAC 0.00006.
gnomAD v4.1: 20 of 1,599,486 alleles (0.0013%); highest among the groups gnomAD compares: South Asian, 0.0034%; no homozygotes.

Submission:

Labcorp Genetics (formerly Invitae), Labcorp
Classification: Uncertain significance. Last evaluated: 2025-08-11. Review status: criteria provided, single submitter. Criteria: Invitae Variant Classification Sherloc (09022015). Collection method: clinical testing. Allele origin: germline.
Comment: This sequence change replaces valine, which is neutral and non-polar, with isoleucine, which is neutral and non-polar, at codon 469 of the PLEKHM2 protein (p.Val469Ile). This variant is present in population databases (rs748904369, gnomAD 0.01%). This variant has not been reported in the literature in individuals affected with PLEKHM2-related conditions. ClinVar contains an entry for this variant (Variation ID: 939035). An algorithm developed to predict the effect of missense changes on protein structure and function outputs the following: PolyPhen-2: "Benign". The isoleucine amino acid residue is found in multiple mammalian species, which suggests that this missense change does not adversely affect protein function. In summary, the available evidence is currently insufficient to determine the role of this variant in disease. Therefore, it has been classified as a Variant of Uncertain Significance.